The following is an entry in ClinVar:

ClinVar aggregate classification (germline): Conflicting classifications of pathogenicity. Review status: criteria provided, conflicting classifications (1 of 4 stars). 5 submissions from 5 submitters: Likely pathogenic (4); Uncertain significance (1). Last evaluated 2025-12-23.

Conditions:
MYH7-related disorder. Also called: MYH7-related disorders; MYH7-related condition; MYH7-related disease.
MYH7-related skeletal myopathy. Also called: Myopathy, distal, 1; Laing distal myopathy; Laing early-onset distal myopathy; MYOPATHY, DISTAL, EARLY-ONSET, AUTOSOMAL DOMINANT; MYOPATHY, LATE DISTAL HEREDITARY. Identifiers: Orphanet 59135, MedGen C4552004, MONDO:0008050, OMIM 160500.
Dilated cardiomyopathy 1S (CMD1S). Identifiers: Orphanet 154, Orphanet 54260, MedGen C1834481, MONDO:0013262, OMIM 613426.
Hypertrophic cardiomyopathy 1 (CMH1). Also called: MYH7-Related Familial Hypertrophic Cardiomyopathy; Familial hypertrophic cardiomyopathy 1. Identifiers: MedGen C3495498, MONDO:0008647, OMIM 192600.
Hypertrophic cardiomyopathy. Also called: HYPERTROPHIC MYOCARDIOPATHY. Identifiers: Orphanet 217569, MedGen C0007194, MeSH D002312, MONDO:0005045, HP:0001639.

Submissions (5):

Labcorp Genetics (formerly Invitae), Labcorp
Classification: Uncertain significance for Hypertrophic cardiomyopathy. Last evaluated: 2025-12-23. Review status: criteria provided, single submitter. Criteria: Invitae Variant Classification Sherloc (09022015). Collection method: clinical testing. Allele origin: germline.
Comment: This sequence change replaces glutamine, which is neutral and polar, with lysine, which is basic and polar, at codon 1794 of the MYH7 protein (p.Gln1794Lys). This variant is not present in population databases (gnomAD no frequency). This missense change has been observed in individual(s) with MYH7-related conditions (PMID: 22464770, 26573135, 27532257, 37652022). ClinVar contains an entry for this variant (Variation ID: 43066). Invitae Evidence Modeling of protein sequence and biophysical properties (such as structural, functional, and spatial information, amino acid conservation, physicochemical variation, residue mobility, and thermodynamic stability) indicates that this missense variant is expected to disrupt MYH7 protein function with a positive predictive value of 95%. In summary, the available evidence is currently insufficient to determine the role of this variant in disease. Therefore, it has been classified as a Variant of Uncertain Significance.

Clinical Genomics Laboratory, Washington University in St. Louis
Classification: Likely pathogenic for Dilated cardiomyopathy 1S; MYH7-related skeletal myopathy; Hypertrophic cardiomyopathy 1. Last evaluated: 2025-05-10. Review status: criteria provided, single submitter. Criteria: ACMG Guidelines, 2015. Collection method: clinical testing. Allele origin: germline. Affected: yes.
Comment: The MYH7 c.5380C>A (p.Gln1794Lys) variant has been reported in at least three individuals affected with hypertrophic cardiomyopathy (McGurk KA et al., PMID: 37652022; Walsh R et al., PMID: 27532257; Xu J et al., PMID: 26573135) and in one individual affected with dilated cardiomyopathy, all in larger studies where clinical details were not provided (Lakdawala NK et al., PMID: 22464770). This variant has been classified in the ClinVar database as likely pathogenic by two submitters and as a variant of uncertain significance by one submitter (Variation ID: 43066). It is absent from the general population (gnomAD v.2.1.1), suggesting it is not a common variant. Computational predictors indicate that the variant is damaging, which correlates with its impact on MYH7 function. Based on the available information and the ACMG/AMP guidelines for variant interpretation (Richards S et al., PMID: 25741868), this variant is classified as likely pathogenic.

Blueprint Genetics
Classification: Likely pathogenic for MYH7-related disorders. Last evaluated: 2024-11-01. Review status: criteria provided, single submitter. Criteria: ACMG Guidelines, 2015. Collection method: clinical testing. Allele origin: germline. Affected: yes. Observed: 1 variant allele.

Laboratory for Molecular Medicine, Mass General Brigham Personalized Medicine
Classification: Likely pathogenic for Hypertrophic cardiomyopathy. Last evaluated: 2018-11-23. Review status: criteria provided, single submitter. Criteria: LMM Criteria. Collection method: clinical testing. Allele origin: germline. Observed: 2 variant alleles.
Comment: The p.Gln1794Lys variant in MYH7 has been identified in 5 individuals with HCM ( Xu 2015, Walsh 2017, GeneDx pers. comm., LMM data) and was found to have occurre d apparently de novo in one individual with childhood onset HCM (GeneDx pers. co mm.). It was absent from large population studies but has been reported in ClinV ar (Variation ID # 43066). The p.Gln1794Glu variant in MYH7 has also been identi fied in individuals with HCM, however, the clinical significance of this variant is currently uncertain. Glutamine (Gln) at position 1794 is highly conserved in mammals and across evolutionarily distant species and the change to lysine (Lys ) was predicted to be pathogenic using a computational tool, which was validated by our laboratory using a set of cardiomyopathy variants with well-established clinical significance. This tool's pathogenic prediction is estimated to be corr ect 94% of the time (Jordan 2011). In summary, although additional studies are r equired to fully establish its clinical significance, this variant meets criteri a to be classified as likely pathogenic for autosomal dominant HCM. ACMG/AMP Cri teria applied: PS4_Moderate, PP3, PM2, PM6.

GeneDx
Classification: Likely pathogenic. Last evaluated: 2018-05-10. Review status: criteria provided, single submitter. Criteria: GeneDx Variant Classification (06012015). Collection method: clinical testing. Allele origin: germline. Affected: yes.
Comment: The Q1794K variant in the MYH7 gene has reported previously in association with HCM (Xu et al., 2015; Walsh et al., 2017), although specific clinical details were not provided. In addition, Q1794K has been identified as an assumed de novo occurrence in one individual, and observed independently of additional cardiogenetic variants in another individual referred for cardiomyopathy genetic testing at GeneDx. The Q1794K variant is not observed in large population cohorts (Lek et al., 2016). The Q1794K variant is a semi-conservative amino acid substitution, which may impact secondary protein structure as these residues differ in some properties. Furthermore, in-silico analyses, including protein predictors and evolutionary conservation, support a deleterious effect. Thus, Q1794K in the MYH7 gene is interpreted as a likely pathogenic variant.

Literature cited by the submitters: PubMed 22464770 (cited by Labcorp Genetics (formerly Invitae), Labcorp and Laboratory for Molecular Medicine, Mass General Brigham Personalized Medicine); PubMed 26573135 (cited by Labcorp Genetics (formerly Invitae), Labcorp and Laboratory for Molecular Medicine, Mass General Brigham Personalized Medicine); PubMed 27532257 (cited by Labcorp Genetics (formerly Invitae), Labcorp and Laboratory for Molecular Medicine, Mass General Brigham Personalized Medicine); PubMed 37652022 (cited by Labcorp Genetics (formerly Invitae), Labcorp).

NM_000257.4(MYH7):c.5380C>A (p.Gln1794Lys)

Gene: MYH7 (myosin heavy chain 7; minus strand). Cytogenetic location: 14q11.2.
Variant type: single nucleotide variant.
Coding change: c.5380C>A on transcript NM_000257.4 (MANE Select); coding-DNA position 5380, C replaced by A.
Protein change: p.Gln1794Lys; replaces glutamine 1794 with lysine.
Molecular consequence: missense variant.
Genome position (GRCh38, 1-based): chr14:23,415,174, G>T on the plus strand (C>A on the coding strand, the complement: MYH7 is on the minus strand). VCF-style: chr14-23415174-G-T. GRCh37 (hg19) VCF-style: chr14-23884383-G-T.
Other names: short protein forms Q1794K.
Identifiers: ClinVar variation 43066 (VCV000043066.9), dbSNP rs397516247, ClinGen allele CA016031.